The following is an entry in ClinVar:

NM_000834.5(GRIN2B):c.4053C>A (p.Asn1351Lys)

Gene: GRIN2B (glutamate ionotropic receptor NMDA type subunit 2B; minus strand). Cytogenetic location: 12p13.1.
Variant type: single nucleotide variant.
Coding change: c.4053C>A on transcript NM_000834.5 (MANE Select); coding-DNA position 4053, C replaced by A.
Protein change: p.Asn1351Lys; replaces asparagine 1351 with lysine.
Molecular consequence: missense variant.
Genome position (GRCh38, 1-based): chr12:13,563,185, G>T on the plus strand (C>A on the coding strand, the complement: GRIN2B is on the minus strand). VCF-style: chr12-13563185-G-T. GRCh37 (hg19) VCF-style: chr12-13716119-G-T.
Other names: short protein forms N1351K.
Identifiers: ClinVar variation 1718689 (VCV001718689.6), dbSNP rs2497465842, ClinGen allele CA383986770.

ClinVar aggregate classification (germline): Uncertain significance (1 of 4 stars; one submission).

Conditions:
Intellectual developmental disorder, autosomal dominant 6, with or without seizures. Also called: GRIN2B-related developmental delay, intellectual disability and autism spectrum disorder; Intellectual disability, autosomal dominant 6. Identifiers: Orphanet 589547, MedGen C3151411, MONDO:0013509, OMIM 613970.
Developmental and epileptic encephalopathy, 27 (DEE27). Also called: GRIN2B-Related Neurodevelopmental Disorder; Epileptic encephalopathy, early infantile, 27. Identifiers: Orphanet 3451, MedGen C4015316, MONDO:0014505, OMIM 616139.

Submission:

Labcorp Genetics (formerly Invitae), Labcorp
Classification: Uncertain significance for Developmental and epileptic encephalopathy, 27; Intellectual developmental disorder, autosomal dominant 6, with or without seizures. Last evaluated: 2025-05-05. Review status: criteria provided, single submitter. Criteria: Invitae Variant Classification Sherloc (09022015). Collection method: clinical testing. Allele origin: germline.
Comment: This sequence change replaces asparagine, which is neutral and polar, with lysine, which is basic and polar, at codon 1351 of the GRIN2B protein (p.Asn1351Lys). This variant is not present in population databases (gnomAD no frequency). This variant has not been reported in the literature in individuals affected with GRIN2B-related conditions. ClinVar contains an entry for this variant (Variation ID: 1718689). Invitae Evidence Modeling of protein sequence and biophysical properties (such as structural, functional, and spatial information, amino acid conservation, physicochemical variation, residue mobility, and thermodynamic stability) indicates that this missense variant is not expected to disrupt GRIN2B protein function with a negative predictive value of 95%. In summary, the available evidence is currently insufficient to determine the role of this variant in disease. Therefore, it has been classified as a Variant of Uncertain Significance.